The following is an entry in ClinVar:

ClinVar aggregate classification (germline): Conflicting classifications of pathogenicity. Review status: criteria provided, conflicting classifications (1 of 4 stars). 3 submissions from 3 submitters: Uncertain significance (1); Likely benign (1). 1 of the submissions does not count toward it. Last evaluated 2026-01-19.

Conditions:
Inborn genetic diseases. Identifiers: MedGen C0950123, MeSH D030342.
Multiple acyl-CoA dehydrogenase deficiency (MADD). Also called: GA II; ETHYLMALONIC-ADIPICACIDURIA; Glutaric Acidemia type 2; Glutaric aciduria, type 2; Glutaric acidemia type II; GA 2. Identifiers: Orphanet 26791, MedGen C0268596, MONDO:0009282, OMIM 231680.

Allele frequency attached by ClinVar (database versions not stated): gnomAD exomes 0.00002 and 0.00006; ExAC 0.00004; ESP Exome Variant Server 0.00015; gnomAD 0.00015 and 0.00019; TOPMed 0.00020.
gnomAD v4.1: 56 of 1,613,506 alleles (0.0035%); highest among the groups gnomAD compares: African/African-American, 0.048%; no homozygotes.

Submissions (3):

Labcorp Genetics (formerly Invitae), Labcorp
Classification: Likely benign for Multiple acyl-CoA dehydrogenase deficiency. Last evaluated: 2026-01-19. Review status: criteria provided, single submitter. Criteria: Invitae Variant Classification Sherloc (09022015). Collection method: clinical testing. Allele origin: germline.

Ambry Genetics
Classification: Uncertain significance for Inborn genetic diseases. Last evaluated: 2025-08-29. Review status: criteria provided, single submitter. Criteria: Ambry Variant Classification Scheme 2023. Collection method: clinical testing. Allele origin: germline.
Comment: The c.1048C>T (p.R350W) alteration is located in exon 9 (coding exon 9) of the ETFDH gene. This alteration results from a C to T substitution at nucleotide position 1048, causing the arginine (R) at amino acid position 350 to be replaced by a tryptophan (W). Based on data from gnomAD, the T allele has an overall frequency of 0.006% (18/282776) total alleles studied. The highest observed frequency was 0.056% (14/24966) of African alleles. This amino acid position is poorly conserved in available vertebrate species. The in silico prediction for this alteration is inconclusive. Based on insufficient or conflicting evidence, the clinical significance of this alteration remains unclear.

Natera, Inc.
Classification: Uncertain significance for Glutaric aciduria type 2. Last evaluated: 2020-09-16. Review status: no assertion criteria provided. Collection method: clinical testing. Allele origin: germline. Not counted in ClinVar's aggregate classification.

NM_004453.4(ETFDH):c.1048C>T (p.Arg350Trp)

Gene: ETFDH (electron transfer flavoprotein dehydrogenase; plus strand). Cytogenetic location: 4q32.1.
Variant type: single nucleotide variant.
Coding change: c.1048C>T on transcript NM_004453.4 (MANE Select); coding-DNA position 1048, C replaced by T.
Protein change: p.Arg350Trp; replaces arginine 350 with tryptophan.
Molecular consequence: missense variant.
Genome position (GRCh38, 1-based): chr4:158,699,062, C>T. VCF-style: chr4-158699062-C-T. GRCh37 (hg19) VCF-style: chr4-159620214-C-T.
Other names: c.907C>T, p.Arg303Trp (NM_001281737.2); c.865C>T, p.Arg289Trp (NM_001281738.1); c.1048C>T (NM_004453.2); short protein forms R350W, R303W, R289W.
Identifiers: ClinVar variation 459961 (VCV000459961.11), dbSNP rs375172942, ClinGen allele CA3122540.